The following is an entry in ClinVar:

NM_000043.6(FAS):c.*142A>G

Gene: FAS (Fas cell surface death receptor; plus strand). Cytogenetic location: 10q23.31.
Variant type: single nucleotide variant.
Coding change: c.*142A>G on transcript NM_000043.6 (MANE Select); 142 bases downstream of the stop codon, A replaced by G.
Molecular consequence: 3 prime UTR variant. On other transcripts: non-coding transcript variant (7).
Genome position (GRCh38, 1-based): chr10:89,014,592, A>G. VCF-style: chr10-89014592-A-G. GRCh37 (hg19) VCF-style: chr10-90774349-A-G.
Other names: c.*473A>G (NM_001320619.2); c.*142A>G (NM_152871.4); c.*462A>G (NM_152872.4).
Identifiers: ClinVar variation 301534 (VCV000301534.7), dbSNP rs9658774, ClinGen allele CA5593264.

ClinVar aggregate classification (germline): Benign. Review status: criteria provided, multiple submitters, no conflicts (2 of 4 stars). 3 submissions from 3 submitters: Benign (3). Last evaluated 2018-07-14.

Conditions:
Autoimmune lymphoproliferative syndrome type 1. Also called: AUTOIMMUNE LYMPHOPROLIFERATIVE SYNDROME, TYPE I, AUTOSOMAL DOMINANT. Identifiers: Orphanet 3261, MedGen C2717884, MONDO:0011158, OMIM 601859.

Allele frequency attached by ClinVar (database versions not stated): TOPMed 0.02219; ExAC 0.00205; gnomAD 0.02026 and 0.02166; 1000 Genomes Project 30x 0.02108; 1000 Genomes Project 0.01877.
gnomAD v4.1: 4,727 of 834,088 alleles (0.57%); highest among the groups gnomAD compares: African/African-American, 6.9%; 143 homozygotes.

Submissions (3):

GeneDx
Classification: Benign. Last evaluated: 2018-07-14. Review status: criteria provided, single submitter. Criteria: GeneDx Variant Classification (06012015). Collection method: clinical testing. Allele origin: germline. Affected: yes.

Illumina Laboratory Services, Illumina
Classification: Benign for Autoimmune lymphoproliferative syndrome type 1. Last evaluated: 2018-01-13. Review status: criteria provided, single submitter. Criteria: ICSL Variant Classification Criteria 13 December 2019. Collection method: clinical testing. Allele origin: germline.
Comment: This variant was observed in the ICSL laboratory as part of a predisposition screen in an ostensibly healthy population. It had not been previously curated by ICSL or reported in the Human Gene Mutation Database (HGMD: prior to June 1st, 2018), and was therefore a candidate for classification through an automated scoring system. Utilizing variant allele frequency, disease prevalence and penetrance estimates, and inheritance mode, an automated score was calculated to assess if this variant is too frequent to cause the disease. Based on the score and internal cut-off values, a variant classified as benign is not then subjected to further curation. The score for this variant resulted in a classification of benign for this disease.

Breakthrough Genomics
Classification: Benign. Review status: criteria provided, single submitter. Criteria: ACMG Guidelines, 2015. Collection method: not provided. Allele origin: germline. Inheritance: Autosomal dominant inheritance. Affected: yes.